The following is an entry in ClinVar:

NM_001347721.2(DYRK1A):c.192A>G (p.Gln64=)

Gene: DYRK1A (dual specificity tyrosine phosphorylation regulated kinase 1A; plus strand). Cytogenetic location: 21q22.13.
Variant type: single nucleotide variant.
Coding change: c.192A>G on transcript NM_001347721.2 (MANE Select); coding-DNA position 192, A replaced by G.
Protein change: p.Gln64=; no amino-acid change (glutamine 64 retained).
Molecular consequence: synonymous variant.
Genome position (GRCh38, 1-based): chr21:37,472,865, A>G. VCF-style: chr21-37472865-A-G. GRCh37 (hg19) VCF-style: chr21-38845167-A-G.
Other names: c.192A>G, p.Gln64= (NM_001347722.2, NM_001396.5, NM_101395.2 and 2 more transcripts); c.105A>G, p.Gln35= (NM_001347723.2).
Identifiers: ClinVar variation 514588 (VCV000514588.4), dbSNP rs1018001317, ClinGen allele CA320472000.

ClinVar aggregate classification (germline): Likely benign. Review status: criteria provided, multiple submitters, no conflicts (2 of 4 stars). 2 submissions from 2 submitters: Likely benign (2). Last evaluated 2023-10-16.

Conditions:
DYRK1A-related intellectual disability syndrome (MRD7). Also called: DYRK1A Syndrome; Intellectual developmental disorder, autosomal dominant 7. Identifiers: Orphanet 464306, MedGen C5568143, MONDO:0013578, OMIM 614104.

Allele frequency attached by ClinVar (database versions not stated): gnomAD exomes below 0.00001; gnomAD 0.00001; TOPMed 0.00004.
gnomAD v4.1: 6 of 1,576,766 alleles (0.00038%); highest among the groups gnomAD compares: African/African-American, 0.0067%; no homozygotes.

Submissions (2):

Labcorp Genetics (formerly Invitae), Labcorp
Classification: Likely benign for DYRK1A-related intellectual disability syndrome. Last evaluated: 2023-10-16. Review status: criteria provided, single submitter. Criteria: Invitae Variant Classification Sherloc (09022015). Collection method: clinical testing. Allele origin: germline.

GeneDx
Classification: Likely benign. Last evaluated: 2018-01-22. Review status: criteria provided, single submitter. Criteria: GeneDx Variant Classification (06012015). Collection method: clinical testing. Allele origin: germline. Affected: yes.
Comment: This variant is considered likely benign or benign based on one or more of the following criteria: it is a conservative change, it occurs at a poorly conserved position in the protein, it is predicted to be benign by multiple in silico algorithms, and/or has population frequency not consistent with disease.